The following is an entry in ClinVar:

ClinVar aggregate classification (germline): Uncertain significance (1 of 4 stars; one submission).

Conditions:
Diamond-Blackfan anemia 8 (DBA8). Also called: RPS7-Related Diamond-Blackfan Anemia. Identifiers: Orphanet 124, MedGen C2675511, MONDO:0012939, OMIM 612563.

gnomAD v4.1: 1 of 1,614,144 alleles (0.000062%); highest among the groups gnomAD compares: Non-Finnish European, 0.000085%; no homozygotes.

Submission:

Labcorp Genetics (formerly Invitae), Labcorp
Classification: Uncertain significance for Diamond-Blackfan anemia 8. Last evaluated: 2020-11-20. Review status: criteria provided, single submitter. Criteria: Invitae Variant Classification Sherloc (09022015). Collection method: clinical testing. Allele origin: germline.
Comment: This sequence change replaces valine with isoleucine at codon 93 of the RPS7 protein (p.Val93Ile). The valine residue is highly conserved and there is a small physicochemical difference between valine and isoleucine. This variant is not present in population databases (ExAC no frequency). This variant has not been reported in the literature in individuals with RPS7-related conditions. Algorithms developed to predict the effect of missense changes on protein structure and function (SIFT, PolyPhen-2, Align-GVGD) all suggest that this variant is likely to be tolerated, but these predictions have not been confirmed by published functional studies and their clinical significance is uncertain. In summary, the available evidence is currently insufficient to determine the role of this variant in disease. Therefore, it has been classified as a Variant of Uncertain Significance.

NM_001011.4(RPS7):c.277G>A (p.Val93Ile)

Gene: RPS7 (ribosomal protein S7; plus strand). Cytogenetic location: 2p25.3.
Variant type: single nucleotide variant.
Coding change: c.277G>A on transcript NM_001011.4 (MANE Select); coding-DNA position 277, G replaced by A.
Protein change: p.Val93Ile; replaces valine 93 with isoleucine.
Molecular consequence: missense variant.
Genome position (GRCh38, 1-based): chr2:3,576,616, G>A. VCF-style: chr2-3576616-G-A. GRCh37 (hg19) VCF-style: chr2-3624206-G-A.
Other names: short protein forms V93I.
Identifiers: ClinVar variation 1358472 (VCV001358472.8), dbSNP rs2147819964, ClinGen allele CA345743124.